The following is an entry in ClinVar:

NM_000548.5(TSC2):c.289G>T (p.Ala97Ser)

Gene: TSC2 (TSC complex subunit 2; plus strand). Cytogenetic location: 16p13.3.
Variant type: single nucleotide variant.
Coding change: c.289G>T on transcript NM_000548.5 (MANE Select); coding-DNA position 289, G replaced by T.
Protein change: p.Ala97Ser; replaces alanine 97 with serine.
Molecular consequence: missense variant. On other transcripts: 5 prime UTR variant (14), non-coding transcript variant (5), intron variant (9).
Genome position (GRCh38, 1-based): chr16:2,053,405, G>T. VCF-style: chr16-2053405-G-T. GRCh37 (hg19) VCF-style: chr16-2103406-G-T.
Other names: c.-1143G>T (NM_001406691.1, NM_001406692.1, NM_001406697.1 and 2 more transcripts); c.-1449G>T (NM_001406693.1); c.-1024G>T (NM_001406694.1, NM_001406695.1); c.-1131G>T (NM_001406696.1); c.-1319G>T (NM_001406698.1); c.289G>T, p.Ala97Ser (NM_021055.3, NM_001077183.3, NM_001114382.3 and 10 more transcripts); c.142G>T, p.Ala48Ser (NM_001318829.2, NM_001406675.1, NM_001406676.1 and 2 more transcripts); c.322G>T, p.Ala108Ser (NM_001318832.2); and 4 more; short protein forms A48S, A97S, A108S.
Identifiers: ClinVar variation 4192103 (VCV004192103.1).

ClinVar aggregate classification (germline): Uncertain significance (1 of 4 stars; one submission).

Conditions:
Hereditary cancer-predisposing syndrome. Also called: Neoplastic Syndromes, Hereditary; Tumor predisposition; Hereditary Cancer Syndrome; Hereditary neoplastic syndrome. Identifiers: Orphanet 140162, MedGen C0027672, MeSH D009386, MONDO:0015356.

gnomAD v4.1: 4 of 1,589,396 alleles (0.00025%); highest among the groups gnomAD compares: South Asian, 0.0046%; no homozygotes.

Submission:

Ambry Genetics
Classification: Uncertain significance for Hereditary cancer-predisposing syndrome. Last evaluated: 2025-08-21. Review status: criteria provided, single submitter. Criteria: Ambry Variant Classification Scheme 2023. Collection method: clinical testing. Allele origin: germline.
Comment: The p.A97S variant (also known as c.289G>T), located in coding exon 3 of the TSC2 gene, results from a G to T substitution at nucleotide position 289. The alanine at codon 97 is replaced by serine, an amino acid with similar properties. This amino acid position is conserved. In addition, the in silico prediction for this alteration is inconclusive. Based on the available evidence, the clinical significance of this variant remains unclear.